The following is an entry in ClinVar:

ClinVar aggregate classification (germline): Uncertain significance (1 of 4 stars; one submission).

Submission:

Labcorp Genetics (formerly Invitae), Labcorp
Classification: Uncertain significance. Last evaluated: 2023-11-22. Review status: criteria provided, single submitter. Criteria: Invitae Variant Classification Sherloc (09022015). Collection method: clinical testing. Allele origin: germline.
Comment: This sequence change replaces leucine, which is neutral and non-polar, with arginine, which is basic and polar, at codon 46 of the RPL31 protein (p.Leu46Arg). This variant is not present in population databases (gnomAD no frequency). This variant has not been reported in the literature in individuals affected with RPL31-related conditions. An algorithm developed to predict the effect of missense changes on protein structure and function (PolyPhen-2) suggests that this variant is likely to be disruptive. In summary, the available evidence is currently insufficient to determine the role of this variant in disease. Therefore, it has been classified as a Variant of Uncertain Significance.

NM_000993.5(RPL31):c.137T>G (p.Leu46Arg)

Gene: RPL31 (ribosomal protein L31; plus strand). Cytogenetic location: 2q11.2.
Variant type: single nucleotide variant.
Coding change: c.137T>G on transcript NM_000993.5 (MANE Select); coding-DNA position 137, T replaced by G.
Protein change: p.Leu46Arg; replaces leucine 46 with arginine.
Molecular consequence: missense variant.
Genome position (GRCh38, 1-based): chr2:101,004,187, T>G. VCF-style: chr2-101004187-T-G. GRCh37 (hg19) VCF-style: chr2-101620649-T-G.
Other names: c.137T>G, p.Leu46Arg (NM_001098577.3, NM_001098578.1, NM_001099693.2); short protein forms L46R.
Identifiers: ClinVar variation 2694899 (VCV002694899.3), dbSNP rs2466872340, ClinGen allele CA347901089.